The following is an entry in ClinVar:

ClinVar aggregate classification (germline): Uncertain significance. Review status: criteria provided, multiple submitters, no conflicts (2 of 4 stars). 2 submissions from 2 submitters: Uncertain significance (2). Last evaluated 2023-12-04.

Conditions:
Hereditary cancer-predisposing syndrome. Also called: Neoplastic Syndromes, Hereditary; Tumor predisposition; Hereditary Cancer Syndrome; Hereditary neoplastic syndrome. Identifiers: Orphanet 140162, MedGen C0027672, MeSH D009386, MONDO:0015356.

Submissions (2):

Color Diagnostics, LLC DBA Color Health
Classification: Uncertain significance for Hereditary cancer-predisposing syndrome. Last evaluated: 2023-12-04. Review status: criteria provided, single submitter. Criteria: ACMG Guidelines, 2015. Collection method: clinical testing. Allele origin: germline.
Comment: This missense variant replaces glutamic acid with glycine at codon 667 of the PMS2 protein. Computational prediction suggests that this variant may not impact protein structure and function (internally defined REVEL score threshold <= 0.5, PMID: 27666373). To our knowledge, functional studies have not been reported for this variant. This variant has not been reported in individuals affected with PMS2-related disorders in the literature. This variant has not been identified in the general population by the Genome Aggregation Database (gnomAD). The available evidence is insufficient to determine the role of this variant in disease conclusively. Therefore, this variant is classified as a Variant of Uncertain Significance.

Ambry Genetics
Classification: Uncertain significance for Hereditary cancer-predisposing syndrome. Last evaluated: 2020-04-13. Review status: criteria provided, single submitter. Criteria: Ambry Variant Classification Scheme 2023. Collection method: clinical testing. Allele origin: germline.
Comment: The p.E667G variant (also known as c.2000A>G), located in coding exon 11 of the PMS2 gene, results from an A to G substitution at nucleotide position 2000. The glutamic acid at codon 667 is replaced by glycine, an amino acid with similar properties. This amino acid position is highly conserved in available vertebrate species. In addition, the in silico prediction for this alteration is inconclusive. Since supporting evidence is limited at this time, the clinical significance of this alteration remains unclear.

NM_000535.7(PMS2):c.2000A>G (p.Glu667Gly)

Gene: PMS2 (PMS1 homolog 2, mismatch repair system component; minus strand). Cytogenetic location: 7p22.1.
Variant type: single nucleotide variant.
Coding change: c.2000A>G on transcript NM_000535.7 (MANE Select); coding-DNA position 2000, A replaced by G.
Protein change: p.Glu667Gly; replaces glutamic acid 667 with glycine.
Molecular consequence: missense variant. On other transcripts: non-coding transcript variant (1).
Genome position (GRCh38, 1-based): chr7:5,986,765, T>C on the plus strand (A>G on the coding strand, the complement: PMS2 is on the minus strand). VCF-style: chr7-5986765-T-C. GRCh37 (hg19) VCF-style: chr7-6026396-T-C.
Other names: c.1595A>G, p.Glu532Gly (NM_001322003.2, NM_001322004.2, NM_001322005.2 and 1 more transcripts); c.1844A>G, p.Glu615Gly (NM_001322006.2); c.1682A>G, p.Glu561Gly (NM_001322007.2, NM_001322008.2); c.1439A>G, p.Glu480Gly (NM_001322010.2); c.1067A>G, p.Glu356Gly (NM_001322011.2, NM_001322012.2); c.1427A>G, p.Glu476Gly (NM_001322013.2); c.2000A>G, p.Glu667Gly (NM_001322014.2); c.1691A>G, p.Glu564Gly (NM_001322015.2); short protein forms E532G, E476G, E480G, E561G, E564G, E667G, E356G, E615G.
Identifiers: ClinVar variation 920854 (VCV000920854.6), dbSNP rs1404270894, ClinGen allele CA366738873.